The following is an entry in ClinVar:

NM_004484.4(GPC3):c.817C>A (p.Pro273Thr)

Gene: GPC3 (glypican 3; minus strand). Cytogenetic location: Xq26.2.
Variant type: single nucleotide variant.
Coding change: c.817C>A on transcript NM_004484.4 (MANE Select); coding-DNA position 817, C replaced by A.
Protein change: p.Pro273Thr; replaces proline 273 with threonine.
Molecular consequence: missense variant.
Genome position (GRCh38, 1-based): chrX:133,753,697, G>T on the plus strand (C>A on the coding strand, the complement: GPC3 is on the minus strand). VCF-style: chrX-133753697-G-T. GRCh37 (hg19) VCF-style: chrX-132887724-G-T.
Other names: c.817C>A, p.Pro273Thr (NM_001164617.2); c.769C>A, p.Pro257Thr (NM_001164618.2); c.655C>A, p.Pro219Thr (NM_001164619.2); short protein forms P219T, P257T, P273T.
Identifiers: ClinVar variation 4743595 (VCV004743595.1).

ClinVar aggregate classification (germline): Uncertain significance (1 of 4 stars; one submission).

Conditions:
Wilms tumor 1 (WT1). Also called: Wilms tumor, somatic. Identifiers: Orphanet 654, MedGen CN033288, MONDO:0008679, OMIM 194070.

Submission:

Labcorp Genetics (formerly Invitae), Labcorp
Classification: Uncertain significance for Wilms tumor 1. Last evaluated: 2025-10-31. Review status: criteria provided, single submitter. Criteria: Invitae Variant Classification Sherloc (09022015). Collection method: clinical testing. Allele origin: germline.
Comment: This sequence change replaces proline, which is neutral and non-polar, with threonine, which is neutral and polar, at codon 273 of the GPC3 protein (p.Pro273Thr). This variant is not present in population databases (gnomAD no frequency). This variant has not been reported in the literature in individuals affected with GPC3-related conditions. Invitae Evidence Modeling of protein sequence and biophysical properties (such as structural, functional, and spatial information, amino acid conservation, physicochemical variation, residue mobility, and thermodynamic stability) indicates that this missense variant is expected to disrupt GPC3 protein function with a positive predictive value of 80%. In summary, the available evidence is currently insufficient to determine the role of this variant in disease. Therefore, it has been classified as a Variant of Uncertain Significance.